The following is an entry in ClinVar:

ClinVar aggregate classification (germline): Likely benign. Review status: criteria provided, multiple submitters, no conflicts (2 of 4 stars). 2 submissions from 2 submitters: Likely benign (2). Last evaluated 2025-10-27.

Conditions:
Niemann-Pick disease, type C1. Also called: NIEMANN-PICK DISEASE, VARIANT TYPE C1; NEUROVISCERAL STORAGE DISEASE WITH VERTICAL SUPRANUCLEAR OPHTHALMOPLEGIA; NIEMANN-PICK DISEASE WITH CHOLESTEROL ESTERIFICATION BLOCK; NIEMANN-PICK DISEASE WITHOUT SPHINGOMYELINASE DEFICIENCY; NIEMANN-PICK DISEASE, CHRONIC NEURONOPATHIC FORM. Identifiers: Orphanet 646, MedGen C3179455, MONDO:0009757, OMIM 257220.
NPC1-related disorder. Also called: NPC1-related condition.

gnomAD v4.1: 45 of 1,613,950 alleles (0.0028%); highest among the groups gnomAD compares: Middle Eastern, 0.016%; no homozygotes.

Submissions (2):

PreventionGenetics, part of Exact Sciences
Classification: Likely benign for NPC1-related condition. Last evaluated: 2025-10-27. Review status: criteria provided, single submitter. Criteria: ACMG Guidelines, 2015. Collection method: clinical testing. Allele origin: germline.
Comment: This variant is classified as likely benign based on ACMG/AMP sequence variant interpretation guidelines (Richards et al. 2015 PMID: 25741868, with internal and published modifications).

Labcorp Genetics (formerly Invitae), Labcorp
Classification: Likely benign for Niemann-Pick disease, type C1. Last evaluated: 2025-10-13. Review status: criteria provided, single submitter. Criteria: Invitae Variant Classification Sherloc (09022015). Collection method: clinical testing. Allele origin: germline.

NM_000271.5(NPC1):c.3321C>T (p.Gly1107=)

Gene: NPC1 (NPC intracellular cholesterol transporter 1; minus strand). Cytogenetic location: 18q11.2.
Variant type: single nucleotide variant.
Coding change: c.3321C>T on transcript NM_000271.5 (MANE Select); coding-DNA position 3321, C replaced by T.
Protein change: p.Gly1107=; no amino-acid change (glycine 1107 retained).
Molecular consequence: synonymous variant.
Genome position (GRCh38, 1-based): chr18:23,535,625, G>A on the plus strand (C>T on the coding strand, the complement: NPC1 is on the minus strand). VCF-style: chr18-23535625-G-A. GRCh37 (hg19) VCF-style: chr18-21115589-G-A.
Other names: c.3321C>T (NM_000271.4).
Identifiers: ClinVar variation 2077075 (VCV002077075.5), dbSNP rs376210355, ClinGen allele CA8912800.